The following is an entry in ClinVar:

NM_004656.4(BAP1):c.969C>G (p.Ala323=)

Gene: BAP1 (BRCA1 associated deubiquitinase 1; minus strand). Cytogenetic location: 3p21.1.
Variant type: single nucleotide variant.
Coding change: c.969C>G on transcript NM_004656.4 (MANE Select); coding-DNA position 969, C replaced by G.
Protein change: p.Ala323=; no amino-acid change (alanine 323 retained).
Molecular consequence: synonymous variant.
Genome position (GRCh38, 1-based): chr3:52,405,257, G>C on the plus strand (C>G on the coding strand, the complement: BAP1 is on the minus strand). VCF-style: chr3-52405257-G-C. GRCh37 (hg19) VCF-style: chr3-52439273-G-C.
Other names: c.915C>G, p.Ala305= (NM_001410772.1).
Identifiers: ClinVar variation 3379213 (VCV003379213.3).

ClinVar aggregate classification (germline): Benign/Likely benign. Review status: criteria provided, multiple submitters, no conflicts (2 of 4 stars). 2 submissions from 2 submitters: Benign (1); Likely benign (1). Last evaluated 2024-07-15.

Conditions:
BAP1-related tumor predisposition syndrome (TPDS1). Also called: Tumor susceptibility linked to germline BAP1 mutations; BAP1 tumor predisposition syndrome; COMMON Syndrome; TUMOR PREDISPOSITION SYNDROME 1. Identifiers: Orphanet 289539, MedGen C3280492, MONDO:0013692, OMIM 614327.

Submissions (2):

Myriad Genetics, Inc.
Classification: Benign for BAP1-related tumor predisposition syndrome. Last evaluated: 2024-07-15. Review status: criteria provided, single submitter. Criteria: Myriad Autosomal Dominant, Autosomal Recessive and X-Linked Classification Criteria (2023). Collection method: clinical testing. Allele origin: unknown.
Comment: This variant is considered benign. This variant is a silent/synonymous amino acid change and it is not expected to impact splicing.

Labcorp Genetics (formerly Invitae), Labcorp
Classification: Likely benign for BAP1-related tumor predisposition syndrome. Last evaluated: 2024-03-28. Review status: criteria provided, single submitter. Criteria: Invitae Variant Classification Sherloc (09022015). Collection method: clinical testing. Allele origin: germline.